The following is an entry in ClinVar:

ClinVar aggregate classification (germline): Pathogenic. Review status: criteria provided, multiple submitters, no conflicts (2 of 4 stars). 2 submissions from 2 submitters: Pathogenic (2). Last evaluated 2024-03-04.

Conditions:
ABCA4-related disorder. Also called: ABCA4-related disorders; ABCA4-related condition. Identifiers: MedGen CN239167.

Allele frequency attached by ClinVar (database versions not stated): TOPMed below 0.00001; gnomAD 0.00001.
gnomAD v4.1: 1 of 1,614,058 alleles (0.000062%); highest among the groups gnomAD compares: Non-Finnish European, 0.000085%; no homozygotes.

Submissions (2):

Blueprint Genetics
Classification: Pathogenic for ABCA4-related disorders. Last evaluated: 2024-03-04. Review status: criteria provided, single submitter. Criteria: ACMG Guidelines, 2015. Collection method: clinical testing. Allele origin: germline. Affected: yes. Observed: 5 variant alleles.

Labcorp Genetics (formerly Invitae), Labcorp
Classification: Pathogenic. Last evaluated: 2024-01-11. Review status: criteria provided, single submitter. Criteria: Invitae Variant Classification Sherloc (09022015). Collection method: clinical testing. Allele origin: germline.
Comment: This sequence change creates a premature translational stop signal (p.Gln234*) in the ABCA4 gene. It is expected to result in an absent or disrupted protein product. Loss-of-function variants in ABCA4 are known to be pathogenic (PMID: 10958761, 24938718, 25312043, 26780318). This variant is not present in population databases (gnomAD no frequency). This premature translational stop signal has been observed in individual(s) with Stargardt disease or cone-rod dystrophy (PMID: 18285826, 23755871). ClinVar contains an entry for this variant (Variation ID: 941287). For these reasons, this variant has been classified as Pathogenic.

Literature cited by the submitters: PubMed 10958761 (cited by Labcorp Genetics (formerly Invitae), Labcorp); PubMed 24938718 (cited by Labcorp Genetics (formerly Invitae), Labcorp); PubMed 25312043 (cited by Labcorp Genetics (formerly Invitae), Labcorp); PubMed 26780318 (cited by Labcorp Genetics (formerly Invitae), Labcorp); PubMed 18285826 (cited by Labcorp Genetics (formerly Invitae), Labcorp); PubMed 23755871 (cited by Labcorp Genetics (formerly Invitae), Labcorp).

NM_000350.3(ABCA4):c.700C>T (p.Gln234Ter)

Gene: ABCA4 (ATP binding cassette subfamily A member 4; minus strand). Cytogenetic location: 1p22.1.
Variant type: single nucleotide variant.
Coding change: c.700C>T on transcript NM_000350.3 (MANE Select); coding-DNA position 700, C replaced by T.
Protein change: p.Gln234Ter; replaces glutamine 234 with a stop codon.
Molecular consequence: nonsense.
Genome position (GRCh38, 1-based): chr1:94,098,862, G>A on the plus strand (C>T on the coding strand, the complement: ABCA4 is on the minus strand). VCF-style: chr1-94098862-G-A. GRCh37 (hg19) VCF-style: chr1-94564418-G-A.
Other names: c.700C>T, p.Gln234Ter (NM_001425324.1); short protein forms Q234*.
Identifiers: ClinVar variation 941287 (VCV000941287.10), dbSNP rs1330135890, ClinGen allele CA341289276.